The following continues an entry in ClinVar:

NM_000540.3(RYR1):c.13934G>A (p.Arg4645Gln)

Gene: RYR1. ClinVar aggregate classification (germline): Uncertain significance. Uncertain significance (1).

Submissions 8 to 13 of 13:

Mendelics
Classification: Uncertain significance for Malignant hyperthermia, susceptibility to, 1. Last evaluated: 2019-05-28. Review status: criteria provided, single submitter. Criteria: Mendelics Assertion Criteria 2017. Collection method: clinical testing. Allele origin: unknown. Not counted in ClinVar's aggregate classification.

Illumina Laboratory Services, Illumina
Classification: Uncertain significance for Central core myopathy. Last evaluated: 2017-04-27. Review status: criteria provided, single submitter. Criteria: ICSL Variant Classification Criteria 13 December 2019. Collection method: clinical testing. Allele origin: germline. Not counted in ClinVar's aggregate classification.

Illumina Laboratory Services, Illumina
Classification: Uncertain significance for Congenital multicore myopathy with external ophthalmoplegia. Last evaluated: 2017-04-27. Review status: criteria provided, single submitter. Criteria: ICSL Variant Classification Criteria 13 December 2019. Collection method: clinical testing. Allele origin: germline. Not counted in ClinVar's aggregate classification.

Illumina Laboratory Services, Illumina
Classification: Uncertain significance for Malignant hyperthermia, susceptibility to, 1. Last evaluated: 2017-04-27. Review status: criteria provided, single submitter. Criteria: ICSL Variant Classification Criteria 13 December 2019. Collection method: clinical testing. Allele origin: germline. Not counted in ClinVar's aggregate classification.
Comment: This variant was observed as part of a predisposition screen in an ostensibly healthy population. A literature search was performed for the gene, cDNA change, and amino acid change (where applicable). Publications were found based on this search. However, the evidence from the literature, in combination with allele frequency data from public databases where available, was not sufficient to rule this variant in or out of causing disease. Therefore, this variant is classified as a variant of unknown significance.

Laboratory for Molecular Medicine, Mass General Brigham Personalized Medicine
Classification: Uncertain significance. Last evaluated: 2016-12-21. Review status: criteria provided, single submitter. Criteria: LMM Criteria. Collection method: clinical testing. Allele origin: germline. Not counted in ClinVar's aggregate classification.
Comment: Variant identified in a genome or exome case(s) and assessed due to predicted null impact of the variant or pathogenic assertions in the literature or databases. Disclaimer: This variant has not undergone full assessment. The following are preliminary notes: This variant has been reported in 1 paper in HGMD in an unspecified number of malignant hyperthermia patients (classified as DM). This variant is present in ClinVar with no interpretation. The variant has a Max MAF of 0.03% in ExAC (3 East Asian alleles) and 0.04% in gnomAD (7 East Asian alleles). 3 non-mammals have a Gln at this position.

RYR1 database
No classification provided. Review status: no classification provided. Collection method: not provided. Allele origin: unknown. Not counted in ClinVar's aggregate classification.

Literature cited by the submitters: PubMed 16732084 (cited by 4 submitters); PubMed 38002952 (cited by Color Diagnostics, LLC DBA Color Health); PubMed 16917943 (cited by Labcorp Genetics (formerly Invitae), Labcorp and Illumina Laboratory Services, Illumina); PubMed 19223216 (cited by Labcorp Genetics (formerly Invitae), Labcorp and Illumina Laboratory Services, Illumina); PubMed 19931341 (cited by Labcorp Genetics (formerly Invitae), Labcorp and Illumina Laboratory Services, Illumina); PubMed 23476141 (cited by Illumina Laboratory Services, Illumina).